The following is an entry in ClinVar:

NM_000426.4(LAMA2):c.2113C>G (p.Leu705Val)

Gene: LAMA2 (laminin subunit alpha 2; plus strand). Cytogenetic location: 6q22.33.
Variant type: single nucleotide variant.
Coding change: c.2113C>G on transcript NM_000426.4 (MANE Select); coding-DNA position 2113, C replaced by G.
Protein change: p.Leu705Val; replaces leucine 705 with valine.
Molecular consequence: missense variant.
Genome position (GRCh38, 1-based): chr6:129,260,727, C>G. VCF-style: chr6-129260727-C-G. GRCh37 (hg19) VCF-style: chr6-129581872-C-G.
Other names: c.2113C>G, p.Leu705Val (NM_001079823.2); short protein forms L705V.
Identifiers: ClinVar variation 1419835 (VCV001419835.6), dbSNP rs1787059258, ClinGen allele CA365608505.
Genomic context (GRCh38, chr6:129,260,727, plus strand): 5'-TAAGAACTTTACTTATTCACCATCTCTTTTTTCCTCTGCCATAGGTTGAGCTCTGTTAAC[C>G]TTGAATCCGCTGTCTCCTATCCTACTGATGGAAGCATTGCAGCAGCTGTAGAAGTGTGTC-3'
Protein context (NP_000417.3, residues 695-715): DAIFRLSSVN[Leu705Val]ESAVSYPTDG

ClinVar aggregate classification (germline): Uncertain significance (1 of 4 stars; one submission).

Conditions:
LAMA2-related muscular dystrophy (LAMA2-RD). Also called: Laminin alpha 2-related dystrophy. Identifiers: MedGen C5679788, MONDO:0100228.

Submission:

Labcorp Genetics (formerly Invitae), Labcorp
Classification: Uncertain significance for LAMA2-related muscular dystrophy. Last evaluated: 2022-07-19. Review status: criteria provided, single submitter. Criteria: Invitae Variant Classification Sherloc (09022015). Collection method: clinical testing. Allele origin: germline.
Comment: This sequence change replaces leucine, which is neutral and non-polar, with valine, which is neutral and non-polar, at codon 705 of the LAMA2 protein (p.Leu705Val). In summary, the available evidence is currently insufficient to determine the role of this variant in disease. Therefore, it has been classified as a Variant of Uncertain Significance. Advanced modeling of protein sequence and biophysical properties (such as structural, functional, and spatial information, amino acid conservation, physicochemical variation, residue mobility, and thermodynamic stability) performed at Invitae indicates that this missense variant is not expected to disrupt LAMA2 protein function. ClinVar contains an entry for this variant (Variation ID: 1419835). This variant has not been reported in the literature in individuals affected with LAMA2-related conditions. This variant is not present in population databases (gnomAD no frequency).